The following is an entry in ClinVar:

NM_000535.7(PMS2):c.2584A>T (p.Asn862Tyr)

Gene: PMS2 (PMS1 homolog 2, mismatch repair system component; minus strand). Cytogenetic location: 7p22.1.
Variant type: single nucleotide variant.
Coding change: c.2584A>T on transcript NM_000535.7 (MANE Select); coding-DNA position 2584, A replaced by T.
Protein change: p.Asn862Tyr; replaces asparagine 862 with tyrosine.
Molecular consequence: missense variant. On other transcripts: non-coding transcript variant (1).
Genome position (GRCh38, 1-based): chr7:5,973,404, T>A on the plus strand (A>T on the coding strand, the complement: PMS2 is on the minus strand). VCF-style: chr7-5973404-T-A. GRCh37 (hg19) VCF-style: chr7-6013035-T-A.
Other names: c.2179A>T, p.Asn727Tyr (NM_001406890.1, NM_001406891.1, NM_001406892.1 and 11 more transcripts); c.2275A>T, p.Asn759Tyr (NM_001406878.1, NM_001406879.1, NM_001406880.1 and 4 more transcripts); c.2011A>T, p.Asn671Tyr (NM_001322013.2, NM_001406908.1, NM_001406909.1); c.2617A>T, p.Asn873Tyr (NM_001322014.2); c.2770A>T, p.Asn924Tyr (NM_001406866.1); c.2608A>T, p.Asn870Tyr (NM_001406868.1); c.2476A>T, p.Asn826Tyr (NM_001406869.1); c.2266A>T, p.Asn756Tyr (NM_001406883.1, NM_001322007.2, NM_001322008.2); and 20 more; short protein forms N623Y, N675Y, N691Y, N740Y, N806Y, N873Y, N924Y, N551Y.
Identifiers: ClinVar variation 3935131 (VCV003935131.1).
Genomic context (GRCh38, chr7:5,973,404, plus strand): 5'-CTTTCAAAACATAAAAATCTGCGATAAAACCAATTATTCCATACAGTGACTACGGTCAGT[T>A]CTGAGAAATGACACCCAGGTTGGCGATGTGTCTCATGGTTGGCCTTCCATGGGGACAGTT-3'
Protein context (NP_000526.2, residues 852-862): HIANLGVISQ[Asn862Tyr]

ClinVar aggregate classification (germline): Uncertain significance (1 of 4 stars; one submission).

Conditions:
Hereditary cancer-predisposing syndrome. Also called: Tumor predisposition; Hereditary neoplastic syndrome; Hereditary Cancer Syndrome; Neoplastic Syndromes, Hereditary. Identifiers: Orphanet 140162, MedGen C0027672, MeSH D009386, MONDO:0015356.

Submission:

Ambry Genetics
Classification: Uncertain significance for Hereditary cancer-predisposing syndrome. Last evaluated: 2025-05-01. Review status: criteria provided, single submitter. Criteria: Ambry Variant Classification Scheme 2023. Collection method: clinical testing. Allele origin: germline.
Comment: The p.N862Y variant (also known as c.2584A>T), located in coding exon 15 of the PMS2 gene, results from an A to T substitution at nucleotide position 2584. The asparagine at codon 862 is replaced by tyrosine, an amino acid with dissimilar properties. This amino acid position is conserved. In addition, the in silico prediction for this alteration is inconclusive. Based on the available evidence, the clinical significance of this variant remains unclear.